The following is an entry in ClinVar:

NM_138694.4(PKHD1):c.7630_7636del (p.Glu2544fs)

Gene: PKHD1 (PKHD1 ciliary IPT domain containing fibrocystin/polyductin; minus strand). Cytogenetic location: 6p12.2.
Variant type: Deletion.
Coding change: c.7630_7636del on transcript NM_138694.4 (MANE Select); coding-DNA positions 7630 to 7636, 7 bases deleted (GAAACCC; older notation c.7630_7636delGAAACCC).
Protein change: p.Glu2544fs; shifts the reading frame from glutamic acid 2544.
Molecular consequence: frameshift variant.
Genome position (GRCh38, 1-based): chr6:51,867,960-51,867,966, GGGTTTC deleted on the plus strand (GAAACCC on the coding strand, the reverse complement: PKHD1 is on the minus strand). VCF-style (leftmost placement, unchanged base first): chr6-51867959-AGGGTTTC-A. GRCh37 (hg19) VCF-style: chr6-51732757-AGGGTTTC-A.
Other names: c.7630_7636del, p.Glu2544fs (NM_170724.3); short protein forms E2544fs.
Identifiers: ClinVar variation 4816749 (VCV004816749.1).

ClinVar aggregate classification (germline): Likely pathogenic (1 of 4 stars; one submission).

Conditions:
Autosomal recessive polycystic kidney disease (ARPKD). Also called: AR polycystic kidney disease. Identifiers: Orphanet 731, Orphanet 8378, MedGen C0085548, MeSH D017044, MONDO:0009889.

Submission:

Natera, Inc.
Classification: Likely pathogenic for Autosomal recessive polycystic kidney disease. Last evaluated: 2025-09-13. Review status: criteria provided, single submitter. Criteria: Natera Variant Classification Schema (03/2026). Collection method: clinical testing. Allele origin: germline.
Comment: The c.7630_7636del variant in PKHD1 is a frameshift variant predicted to shift the reading frame beginning at codon 2544 and leads to a stop codon 33 codons downstream. This variant is expected to result in nonsense mediated decay, truncation, or a dysfunctional protein product. This variant is rare in the general population with a frequency below the threshold expected for the associated phenotype(s). Given the available evidence, this variant is classified as Likely Pathogenic.